The following is an entry in ClinVar:

ClinVar aggregate classification (germline): Benign (1 of 4 stars; one submission).

Allele frequency attached by ClinVar (database versions not stated): 1000 Genomes Project 30x 0.03670; 1000 Genomes Project 0.03814; TOPMed 0.06413; gnomAD 0.07682.
gnomAD v4.1: 11,268 of 152,282 alleles (7.4%); highest among the groups gnomAD compares: Non-Finnish European, 10%; 538 homozygotes.

Submission:

GeneDx
Classification: Benign. Last evaluated: 2018-06-14. Review status: criteria provided, single submitter. Criteria: GeneDx Variant Classification (06012015). Collection method: clinical testing. Allele origin: germline. Affected: yes.
Comment: This variant is considered likely benign or benign based on one or more of the following criteria: it is a conservative change, it occurs at a poorly conserved position in the protein, it is predicted to be benign by multiple in silico algorithms, and/or has population frequency not consistent with disease.

NM_000168.6(GLI3):c.827-181C>T

Gene: GLI3 (GLI family zinc finger 3; minus strand). Cytogenetic location: 7p14.1.
Variant type: single nucleotide variant.
Coding change: c.827-181C>T on transcript NM_000168.6 (MANE Select); 181 bases into the intron before coding-DNA position 827, C replaced by T.
Molecular consequence: intron variant.
Genome position (GRCh38, 1-based): chr7:42,040,420, G>A on the plus strand (C>T on the coding strand, the complement: GLI3 is on the minus strand). VCF-style: chr7-42040420-G-A. GRCh37 (hg19) VCF-style: chr7-42080019-G-A.
Identifiers: ClinVar variation 681776 (VCV000681776.1), dbSNP rs73688623, ClinGen allele CA156907721.